The following is an entry in ClinVar:

NM_032043.3(BRIP1):c.2615C>T (p.Ser872Leu)

Gene: BRIP1 (BRCA1 interacting DNA helicase 1; minus strand). Cytogenetic location: 17q23.2.
Variant type: single nucleotide variant.
Coding change: c.2615C>T on transcript NM_032043.3 (MANE Select); coding-DNA position 2615, C replaced by T.
Protein change: p.Ser872Leu; replaces serine 872 with leucine.
Molecular consequence: missense variant.
Genome position (GRCh38, 1-based): chr17:61,686,126, G>A on the plus strand (C>T on the coding strand, the complement: BRIP1 is on the minus strand). VCF-style: chr17-61686126-G-A. GRCh37 (hg19) VCF-style: chr17-59763487-G-A.
Other names: short protein forms S872L.
Identifiers: ClinVar variation 141722 (VCV000141722.10), dbSNP rs587781964, ClinGen allele CA166231.

ClinVar aggregate classification (germline): Uncertain significance. Review status: criteria provided, multiple submitters, no conflicts (2 of 4 stars). 2 submissions from 2 submitters: Uncertain significance (2). Last evaluated 2022-01-16.

Conditions:
Hereditary cancer-predisposing syndrome. Also called: Neoplastic Syndromes, Hereditary; Hereditary Cancer Syndrome; Hereditary neoplastic syndrome; Tumor predisposition. Identifiers: Orphanet 140162, MedGen C0027672, MeSH D009386, MONDO:0015356.
Familial cancer of breast. Also called: Hereditary breast cancer; hereditary breast carcinoma; BREAST CANCER, FAMILIAL. Identifiers: Orphanet 227535, MedGen C0346153, MONDO:0016419, OMIM 114480. Disease mechanism: loss of function.
Fanconi anemia complementation group J. Also called: BRIP1-Related Fanconi Anemia. Identifiers: Orphanet 84, MedGen C1836860, MONDO:0012187, OMIM 609054.

Allele frequency attached by ClinVar (database versions not stated): gnomAD exomes below 0.00001.
gnomAD v4.1: 1 of 1,614,050 alleles (0.000062%); highest among the groups gnomAD compares: Non-Finnish European, 0.000085%; no homozygotes.

Submissions (2):

Labcorp Genetics (formerly Invitae), Labcorp
Classification: Uncertain significance for Familial cancer of breast; Fanconi anemia complementation group J. Last evaluated: 2022-01-16. Review status: criteria provided, single submitter. Criteria: Invitae Variant Classification Sherloc (09022015). Collection method: clinical testing. Allele origin: germline.
Comment: This sequence change replaces serine, which is neutral and polar, with leucine, which is neutral and non-polar, at codon 872 of the BRIP1 protein (p.Ser872Leu). This variant is not present in population databases (gnomAD no frequency). This variant has not been reported in the literature in individuals affected with BRIP1-related conditions. ClinVar contains an entry for this variant (Variation ID: 141722). Algorithms developed to predict the effect of missense changes on protein structure and function (SIFT, PolyPhen-2, Align-GVGD) all suggest that this variant is likely to be tolerated. In summary, the available evidence is currently insufficient to determine the role of this variant in disease. Therefore, it has been classified as a Variant of Uncertain Significance.

Ambry Genetics
Classification: Uncertain significance for Hereditary cancer-predisposing syndrome. Last evaluated: 2018-12-20. Review status: criteria provided, single submitter. Criteria: Ambry Variant Classification Scheme 2023. Collection method: clinical testing. Allele origin: germline.
Comment: The p.S872L variant (also known as c.2615C>T), located in coding exon 18 of the BRIP1 gene, results from a C to T substitution at nucleotide position 2615. The serine at codon 872 is replaced by leucine, an amino acid with dissimilar properties. This amino acid position is well conserved in available vertebrate species. In addition, this alteration is predicted to be tolerated by in silico analysis. Since supporting evidence is limited at this time, the clinical significance of this alteration remains unclear.